The following is an entry in ClinVar:

ClinVar aggregate classification (germline): Conflicting classifications of pathogenicity. Review status: criteria provided, conflicting classifications (1 of 4 stars). 2 submissions from 2 submitters: Uncertain significance (1); Likely benign (1). Last evaluated 2025-08-03.

Conditions:
Inborn genetic diseases. Identifiers: MedGen C0950123, MeSH D030342.

Allele frequency attached by ClinVar (database versions not stated): ExAC 0.00002; gnomAD 0.00003; TOPMed 0.00003.
gnomAD v4.1: 86 of 1,614,042 alleles (0.0053%); highest among the groups gnomAD compares: Non-Finnish European, 0.0069%; no homozygotes.

Submissions (2):

Ambry Genetics
Classification: Likely benign for Inborn genetic diseases. Last evaluated: 2025-08-03. Review status: criteria provided, single submitter. Criteria: Ambry Variant Classification Scheme 2023. Collection method: clinical testing. Allele origin: germline.

Labcorp Genetics (formerly Invitae), Labcorp
Classification: Uncertain significance. Last evaluated: 2022-07-01. Review status: criteria provided, single submitter. Criteria: Invitae Variant Classification Sherloc (09022015). Collection method: clinical testing. Allele origin: germline.
Comment: In summary, the available evidence is currently insufficient to determine the role of this variant in disease. Therefore, it has been classified as a Variant of Uncertain Significance. Algorithms developed to predict the effect of missense changes on protein structure and function output the following: SIFT: "Tolerated"; PolyPhen-2: "Benign"; Align-GVGD: "Class C0". The glutamic acid amino acid residue is found in multiple mammalian species, which suggests that this missense change does not adversely affect protein function. This variant has not been reported in the literature in individuals affected with ORC1-related conditions. This variant is present in population databases (rs755000631, gnomAD 0.009%). This sequence change replaces aspartic acid, which is acidic and polar, with glutamic acid, which is acidic and polar, at codon 329 of the ORC1 protein (p.Asp329Glu).

NM_004153.4(ORC1):c.987C>G (p.Asp329Glu)

Gene: ORC1 (origin recognition complex subunit 1; minus strand). Cytogenetic location: 1p32.3.
Variant type: single nucleotide variant.
Coding change: c.987C>G on transcript NM_004153.4 (MANE Select); coding-DNA position 987, C replaced by G.
Protein change: p.Asp329Glu; replaces aspartic acid 329 with glutamic acid.
Molecular consequence: missense variant.
Genome position (GRCh38, 1-based): chr1:52,393,538, G>C on the plus strand (C>G on the coding strand, the complement: ORC1 is on the minus strand). VCF-style: chr1-52393538-G-C. GRCh37 (hg19) VCF-style: chr1-52859210-G-C.
Other names: c.987C>G (NM_004153.3); c.987C>G, p.Asp329Glu (NM_001190818.2, NM_001190819.2); short protein forms D329E.
Identifiers: ClinVar variation 1897824 (VCV001897824.6), dbSNP rs755000631, ClinGen allele CA853470.
Genomic context (GRCh38, chr1:52,393,538, plus strand): 5'-TGGCACCACTGAAGATCTCTGTCCCCCACTGATAGGGGTAAGTGTTCTCTCCTCTCTAAT[G>C]TCTATGGTTTTCGAAGCTGCAATTCGGGTTCTCAGGATTATGCGATGTTCAGGTGAAGCC-3'
Protein context (NP_004144.2, residues 319-339): RTRIAASKTI[Asp329Glu]IREERTLTPI